The following is an entry in ClinVar:

ClinVar aggregate classification (germline): Uncertain significance (1 of 4 stars; one submission).

Allele frequency attached by ClinVar (database versions not stated): gnomAD 0.00001; TOPMed 0.00001; gnomAD exomes 0.00002; ExAC 0.00004.
gnomAD v4.1: 30 of 1,614,038 alleles (0.0019%); highest among the groups gnomAD compares: South Asian, 0.0044%; no homozygotes.

Submission:

Labcorp Genetics (formerly Invitae), Labcorp
Classification: Uncertain significance. Last evaluated: 2022-07-04. Review status: criteria provided, single submitter. Criteria: Invitae Variant Classification Sherloc (09022015). Collection method: clinical testing. Allele origin: germline.
Comment: In summary, the available evidence is currently insufficient to determine the role of this variant in disease. Therefore, it has been classified as a Variant of Uncertain Significance. This sequence change replaces isoleucine, which is neutral and non-polar, with threonine, which is neutral and polar, at codon 246 of the JAM3 protein (p.Ile246Thr). This variant is present in population databases (rs772586545, gnomAD 0.004%). This variant has not been reported in the literature in individuals affected with JAM3-related conditions. Algorithms developed to predict the effect of missense changes on protein structure and function are either unavailable or do not agree on the potential impact of this missense change (SIFT: "Deleterious"; PolyPhen-2: "Benign"; Align-GVGD: "Class C15").

NM_032801.5(JAM3):c.737T>C (p.Ile246Thr)

Gene: JAM3 (junctional adhesion molecule 3; plus strand). Cytogenetic location: 11q25.
Variant type: single nucleotide variant.
Coding change: c.737T>C on transcript NM_032801.5 (MANE Select); coding-DNA position 737, T replaced by C.
Protein change: p.Ile246Thr; replaces isoleucine 246 with threonine.
Molecular consequence: missense variant.
Genome position (GRCh38, 1-based): chr11:134,148,571, T>C. VCF-style: chr11-134148571-T-C. GRCh37 (hg19) VCF-style: chr11-134018466-T-C.
Other names: c.584T>C, p.Ile195Thr (NM_001205329.2); short protein forms I195T, I246T.
Identifiers: ClinVar variation 2145806 (VCV002145806.4), dbSNP rs772586545, ClinGen allele CA6370187.